The following is an entry in ClinVar:

ClinVar aggregate classification (germline): Uncertain significance. Review status: criteria provided, multiple submitters, no conflicts (2 of 4 stars). 2 submissions from 2 submitters: Uncertain significance (2). Last evaluated 2023-12-13.

Conditions:
Spastic paraplegia. Identifiers: MedGen C0037772, HP:0001258.
Hereditary spastic paraplegia 4. Also called: Spastic paraplegia 4, autosomal dominant; Spastic Paraplegia 4; Familial spastic paraplegia autosomal dominant 2. Identifiers: Orphanet 100985, MedGen C1866855, MONDO:0008438, OMIM 182601.

Allele frequency attached by ClinVar (database versions not stated): gnomAD exomes below 0.00001; ExAC 0.00001.
gnomAD v4.1: 2 of 1,581,476 alleles (0.00013%); highest among the groups gnomAD compares: Non-Finnish European, 0.00017%; no homozygotes.

Submissions (2):

Labcorp Genetics (formerly Invitae), Labcorp
Classification: Uncertain significance for Hereditary spastic paraplegia 4. Last evaluated: 2023-12-13. Review status: criteria provided, single submitter. Criteria: Invitae Variant Classification Sherloc (09022015). Collection method: clinical testing. Allele origin: germline.
Comment: This sequence change replaces threonine, which is neutral and polar, with alanine, which is neutral and non-polar, at codon 165 of the SPAST protein (p.Thr165Ala). This variant is present in population databases (rs770141489, gnomAD 0.0009%). This variant has not been reported in the literature in individuals affected with SPAST-related conditions. ClinVar contains an entry for this variant (Variation ID: 989090). Advanced modeling of protein sequence and biophysical properties (such as structural, functional, and spatial information, amino acid conservation, physicochemical variation, residue mobility, and thermodynamic stability) performed at Invitae indicates that this missense variant is not expected to disrupt SPAST protein function with a negative predictive value of 95%. In summary, the available evidence is currently insufficient to determine the role of this variant in disease. Therefore, it has been classified as a Variant of Uncertain Significance.

Paris Brain Institute, Inserm - ICM
Classification: Uncertain significance for Spastic paraplegia. Review status: criteria provided, single submitter. Criteria: ACMG Guidelines, 2015. Collection method: clinical testing. Allele origin: unknown. Affected: yes. Observed: 1 variant allele.

NM_014946.4(SPAST):c.493A>G (p.Thr165Ala)

Gene: SPAST (spastin; plus strand). Cytogenetic location: 2p22.3.
Variant type: single nucleotide variant.
Coding change: c.493A>G on transcript NM_014946.4 (MANE Select); coding-DNA position 493, A replaced by G.
Protein change: p.Thr165Ala; replaces threonine 165 with alanine.
Molecular consequence: missense variant.
Genome position (GRCh38, 1-based): chr2:32,087,569, A>G. VCF-style: chr2-32087569-A-G. GRCh37 (hg19) VCF-style: chr2-32312638-A-G.
Other names: c.490A>G, p.Thr164Ala (NM_001363823.2, NM_001363875.2); c.493A>G, p.Thr165Ala (NM_001377959.1, NM_199436.2); short protein forms T164A, T165A.
Identifiers: ClinVar variation 989090 (VCV000989090.4), dbSNP rs770141489, ClinGen allele CA1600592.